The following is an entry in ClinVar:

NM_006514.4(SCN10A):c.2620A>G (p.Met874Val)

Gene: SCN10A (sodium voltage-gated channel alpha subunit 10; minus strand). Cytogenetic location: 3p22.2.
Variant type: single nucleotide variant.
Coding change: c.2620A>G on transcript NM_006514.4 (MANE Select); coding-DNA position 2620, A replaced by G.
Protein change: p.Met874Val; replaces methionine 874 with valine.
Molecular consequence: missense variant.
Genome position (GRCh38, 1-based): chr3:38,728,562, T>C on the plus strand (A>G on the coding strand, the complement: SCN10A is on the minus strand). VCF-style: chr3-38728562-T-C. GRCh37 (hg19) VCF-style: chr3-38770053-T-C.
Other names: c.2620A>G, p.Met874Val (NM_001293306.2); c.2326A>G, p.Met776Val (NM_001293307.2); short protein forms M776V, M874V.
Identifiers: ClinVar variation 3225635 (VCV003225635.1), dbSNP rs1385649443, ClinGen allele CA352160072.

ClinVar aggregate classification (germline): Uncertain significance (1 of 4 stars; one submission).

Conditions:
Cardiovascular phenotype. Identifiers: MedGen CN230736.

Allele frequency attached by ClinVar (database versions not stated): gnomAD exomes below 0.00001.

Submission:

Ambry Genetics
Classification: Uncertain significance for Cardiovascular phenotype. Last evaluated: 2023-10-12. Review status: criteria provided, single submitter. Criteria: Ambry Variant Classification Scheme 2023. Collection method: clinical testing. Allele origin: germline.
Comment: The p.M874V variant (also known as c.2620A>G), located in coding exon 15 of the SCN10A gene, results from an A to G substitution at nucleotide position 2620. The methionine at codon 874 is replaced by valine, an amino acid with highly similar properties. This amino acid position is conserved. In addition, this alteration is predicted to be deleterious by in silico analysis. Since supporting evidence is limited at this time, the clinical significance of this alteration remains unclear.